The following is an entry in ClinVar:

NM_013339.4(ALG6):c.666C>T (p.Gly222=)

Gene: ALG6 (ALG6 alpha-1,3-glucosyltransferase; plus strand). Cytogenetic location: 1p31.3.
Variant type: single nucleotide variant.
Coding change: c.666C>T on transcript NM_013339.4 (MANE Select); coding-DNA position 666, C replaced by T.
Protein change: p.Gly222=; no amino-acid change (glycine 222 retained).
Molecular consequence: synonymous variant.
Genome position (GRCh38, 1-based): chr1:63,411,317, C>T. VCF-style: chr1-63411317-C-T. GRCh37 (hg19) VCF-style: chr1-63876988-C-T.
Identifiers: ClinVar variation 4993110 (VCV004993110.1).

ClinVar aggregate classification (germline): Likely benign (1 of 4 stars; one submission).

Conditions:
ALG6-related disorder. Also called: ALG6-related condition.

gnomAD v4.1: 1 of 1,613,458 alleles (0.000062%); highest among the groups gnomAD compares: Non-Finnish European, 0.000085%; no homozygotes.

Submission:

PreventionGenetics, part of Exact Sciences
Classification: Likely benign for ALG6-related condition. Last evaluated: 2026-04-17. Review status: criteria provided, single submitter. Criteria: ACMG Guidelines, 2015. Collection method: clinical testing. Allele origin: germline.
Comment: This variant is classified as likely benign based on ACMG/AMP sequence variant interpretation guidelines (Richards et al. 2015 PMID: 25741868, with internal and published modifications).